The following is an entry in ClinVar:

NM_001142800.2(EYS):c.1056+1G>A

Gene: EYS (EGF-like photoreceptor maintenance factor; minus strand). Cytogenetic location: 6q12.
Variant type: single nucleotide variant.
Coding change: c.1056+1G>A on transcript NM_001142800.2 (MANE Select); the canonical splice donor site of the intron after coding-DNA position 1056, G replaced by A.
Molecular consequence: splice donor variant.
Genome position (GRCh38, 1-based): chr6:65,405,173, C>T on the plus strand (G>A on the coding strand, the complement: EYS is on the minus strand). VCF-style: chr6-65405173-C-T. GRCh37 (hg19) VCF-style: chr6-66115066-C-T.
Other names: c.1056+1G>A (NM_001292009.2, NM_001142801.2, NM_198283.2).
Identifiers: ClinVar variation 970894 (VCV000970894.13), dbSNP rs1195522061, ClinGen allele CA364662545.
Genomic context (GRCh38, chr6:65,405,173, plus strand): 5'-TTGCTTGGTAATAGTAAAAAAAATTTAAAACCACTCACTTATATGTTAGATTGAGACTTA[C>T]ATTTGATATTTTGATGCAGTCAGTACCATTCTGACATGGTACTAATGAAAACTCACTGAC-3'

ClinVar aggregate classification (germline): Pathogenic/Likely pathogenic. Review status: criteria provided, multiple submitters, no conflicts (2 of 4 stars). 5 submissions from 5 submitters: Pathogenic (1); Likely pathogenic (4). Last evaluated 2025-06-27.

Conditions:
EYS-related disorder. Also called: EYS-related condition.
Retinal dystrophy. Also called: Inherited retinal dystrophy. Identifiers: Orphanet 71862, MedGen C0854723, MeSH D058499, MONDO:0019118, HP:0000556.
Retinitis pigmentosa 25 (RP25). Identifiers: Orphanet 791, MedGen C1864446, MONDO:0011272, OMIM 602772.
Retinitis pigmentosa (RP). Identifiers: Orphanet 791, MedGen C0035334, MeSH D012174, MONDO:0019200, OMIM 268000. Inheritance: Autosomal dominant, autosomal recessive and X linked inheritance.

Allele frequency attached by ClinVar (database versions not stated): gnomAD exomes below 0.00001; gnomAD 0.00001; TOPMed 0.00001.
gnomAD v4.1: 5 of 1,607,822 alleles (0.00031%); highest among the groups gnomAD compares: Non-Finnish European, 0.00043%; no homozygotes.

Submissions (5):

Myriad Genetics, Inc.
Classification: Likely pathogenic for Retinitis pigmentosa 25. Last evaluated: 2025-06-27. Review status: criteria provided, single submitter. Criteria: Myriad Autosomal Dominant, Autosomal Recessive and X-Linked Classification Criteria (2023). Collection method: clinical testing. Allele origin: unknown.
Comment: NM_001142800.1(EYS):c.1056+1G>A is a variant in a canonical splice site classified as likely pathogenic in the context of retinitis pigmentosa, EYS-related. c.1056+1G>A has been observed in a case with relevant disease (PMID: 31213501). Relevant functional assessments of this variant are not available in the literature. c.1056+1G>A has not been observed in referenced population frequency databases. In summary, NM_001142800.1(EYS):c.1056+1G>A is a variant in a canonical splice site in a gene where loss of function is a known mechanism of disease, is predicted to disrupt protein function, and has been observed more frequently in cases with the relevant disease than in healthy populations. Please note: this variant was assessed in the context of healthy population screening.

Labcorp Genetics (formerly Invitae), Labcorp
Classification: Likely pathogenic. Last evaluated: 2024-11-05. Review status: criteria provided, single submitter. Criteria: Invitae Variant Classification Sherloc (09022015). Collection method: clinical testing. Allele origin: germline.
Comment: This sequence change affects a donor splice site in intron 6 of the EYS gene. It is expected to disrupt RNA splicing. Variants that disrupt the donor or acceptor splice site typically lead to a loss of protein function (PMID: 16199547), and loss-of-function variants in EYS are known to be pathogenic (PMID: 18836446, 20333770). This variant is not present in population databases (gnomAD no frequency). Disruption of this splice site has been observed in individual(s) with retinitis pigmentosa (PMID: 31213501; internal data). ClinVar contains an entry for this variant (Variation ID: 970894). Algorithms developed to predict the effect of sequence changes on RNA splicing suggest that this variant may disrupt the consensus splice site. In summary, the currently available evidence indicates that the variant is pathogenic, but additional data are needed to prove that conclusively. Therefore, this variant has been classified as Likely Pathogenic.

Dept Of Ophthalmology, Nagoya University
Classification: Pathogenic for Retinal dystrophy. Last evaluated: 2023-10-01. Review status: criteria provided, single submitter. Criteria: Submitter's publication. Collection method: research. Allele origin: germline. Affected: yes.

Women's Health and Genetics/Laboratory Corporation of America, LabCorp
Classification: Likely pathogenic for Retinitis pigmentosa. Last evaluated: 2022-10-10. Review status: criteria provided, single submitter. Criteria: LabCorp Variant Classification Summary - May 2015. Collection method: clinical testing. Allele origin: germline.
Comment: Variant summary: EYS c.1056+1G>A is located in a canonical splice-site and is predicted to affect mRNA splicing resulting in a significantly altered protein due to either exon skipping, shortening, or inclusion of intronic material. Several computational tools predict a significant impact on normal splicing: four predict the variant abolishes a 5 prime splicing donor site. However, these predictions have yet to be confirmed by functional studies. The variant was absent in 249926 control chromosomes. c.1056+1G>A has been reported in the literature in at least one individual affected with Retinitis Pigmentosa. These data do not allow any conclusion about variant significance. To our knowledge, no experimental evidence demonstrating an impact on protein function has been reported. One clinical diagnostic laboratory has submitted clinical-significance assessments for this variant to ClinVar after 2014 without evidence for independent evaluation and classified the variant as likely pathogenic. Based on the evidence outlined above, the variant was classified as likely pathogenic.

Blueprint Genetics
Classification: Likely pathogenic for EYS-related disorders. Last evaluated: 2019-09-10. Review status: criteria provided, single submitter. Criteria: ACMG Guidelines, 2015. Collection method: clinical testing. Allele origin: germline. Affected: yes. Observed: 1 variant allele.

Literature cited by the submitters: PubMed 31213501 (cited by 3 submitters); PubMed 16199547 (cited by Labcorp Genetics (formerly Invitae), Labcorp); PubMed 18836446 (cited by Labcorp Genetics (formerly Invitae), Labcorp); PubMed 20333770 (cited by Labcorp Genetics (formerly Invitae), Labcorp).